The following is an entry in ClinVar:

NM_001378454.1(ALMS1):c.9275C>T (p.Ser3092Leu)

Gene: ALMS1 (ALMS1 centrosome and basal body associated protein; plus strand). Cytogenetic location: 2p13.1.
Variant type: single nucleotide variant.
Coding change: c.9275C>T on transcript NM_001378454.1 (MANE Select); coding-DNA position 9275, C replaced by T.
Protein change: p.Ser3092Leu; replaces serine 3092 with leucine.
Molecular consequence: missense variant.
Genome position (GRCh38, 1-based): chr2:73,491,234, C>T. VCF-style: chr2-73491234-C-T. GRCh37 (hg19) VCF-style: chr2-73718361-C-T.
Other names: c.9278C>T, p.Ser3093Leu (NM_015120.4); short protein forms S3092L, S3093L.
Identifiers: ClinVar variation 1365833 (VCV001365833.5), dbSNP rs1394971174, ClinGen allele CA347273878.
Genomic context (GRCh38, chr2:73,491,234, plus strand): 5'-ATGCTGCTTCTAAAGCGAGGATGAATAGTGAGTTTAACTTTGACTTACATACTGTATCTT[C>T]GAGATCACTGGAACCAACCTCCAAATTATTGACCAGTAAACCTGTAGCACAGGATCAAGA-3'
Protein context (NP_001365383.1, residues 3082-3102): EFNFDLHTVS[Ser3092Leu]RSLEPTSKLL

ClinVar aggregate classification (germline): Uncertain significance. Review status: criteria provided, multiple submitters, no conflicts (2 of 4 stars). 3 submissions from 3 submitters: Uncertain significance (2). 1 of the submissions does not count toward it. Last evaluated 2022-06-07.

Conditions:
Alstrom syndrome (ALMS). Identifiers: Orphanet 64, MedGen C0268425, MONDO:0008763, OMIM 203800.
ALMS1-related disorder. Also called: ALMS1-related condition.

Allele frequency attached by ClinVar (database versions not stated): gnomAD exomes 0.00001.
gnomAD v4.1: 10 of 1,614,090 alleles (0.00062%); highest among the groups gnomAD compares: Middle Eastern, 0.016%; no homozygotes.

Submissions (3):

Labcorp Genetics (formerly Invitae), Labcorp
Classification: Uncertain significance for Alstrom syndrome. Last evaluated: 2022-06-07. Review status: criteria provided, single submitter. Criteria: Invitae Variant Classification Sherloc (09022015). Collection method: clinical testing. Allele origin: germline.
Comment: This sequence change replaces serine, which is neutral and polar, with leucine, which is neutral and non-polar, at codon 3093 of the ALMS1 protein (p.Ser3093Leu). This variant is present in population databases (no rsID available, gnomAD 0.003%). This variant has not been reported in the literature in individuals affected with ALMS1-related conditions. ClinVar contains an entry for this variant (Variation ID: 1365833). Experimental studies and prediction algorithms are not available or were not evaluated, and the functional significance of this variant is currently unknown. In summary, the available evidence is currently insufficient to determine the role of this variant in disease. Therefore, it has been classified as a Variant of Uncertain Significance.

Fulgent Genetics
Classification: Uncertain significance for Alstrom syndrome. Last evaluated: 2022-05-03. Review status: criteria provided, single submitter. Criteria: ACMG Guidelines, 2015. Collection method: clinical testing. Allele origin: unknown.

PreventionGenetics, part of Exact Sciences
Classification: Uncertain significance for ALMS1-related condition. Last evaluated: 2024-02-07. Review status: no assertion criteria provided. Collection method: clinical testing. Allele origin: germline. Not counted in ClinVar's aggregate classification.
Comment: The ALMS1 c.9278C>T variant is predicted to result in the amino acid substitution p.Ser3093Leu. To our knowledge, this variant has not been reported in the literature. This variant is reported in 0.0039% of alleles in individuals of European (Non-Finnish) descent in gnomAD. At this time, the clinical significance of this variant is uncertain due to the absence of conclusive functional and genetic evidence.